The following is an entry in ClinVar:

ClinVar aggregate classification (germline): Uncertain significance. Review status: criteria provided, multiple submitters, no conflicts (2 of 4 stars). 2 submissions from 2 submitters: Uncertain significance (2). Last evaluated 2025-11-03.

Allele frequency attached by ClinVar (database versions not stated): gnomAD exomes 0.00001; TOPMed 0.00001; ExAC 0.00002.
gnomAD v4.1: 4 of 1,613,768 alleles (0.00025%); highest among the groups gnomAD compares: Admixed American, 0.0067%; no homozygotes.

Submissions (2):

Ambry Genetics
Classification: Uncertain significance. Last evaluated: 2025-11-03. Review status: criteria provided, single submitter. Criteria: Ambry Variant Classification Scheme 2023. Collection method: clinical testing. Allele origin: germline.

Labcorp Genetics (formerly Invitae), Labcorp
Classification: Uncertain significance. Last evaluated: 2023-03-18. Review status: criteria provided, single submitter. Criteria: Invitae Variant Classification Sherloc (09022015). Collection method: clinical testing. Allele origin: germline.
Comment: In summary, the available evidence is currently insufficient to determine the role of this variant in disease. Therefore, it has been classified as a Variant of Uncertain Significance. Algorithms developed to predict the effect of missense changes on protein structure and function output the following: SIFT: "Not Available"; PolyPhen-2: "Benign"; Align-GVGD: "Not Available". The isoleucine amino acid residue is found in multiple mammalian species, which suggests that this missense change does not adversely affect protein function. This variant has not been reported in the literature in individuals affected with GEN1-related conditions. This variant is present in population databases (rs765931777, gnomAD 0.009%). This sequence change replaces valine, which is neutral and non-polar, with isoleucine, which is neutral and non-polar, at codon 703 of the GEN1 protein (p.Val703Ile).

NM_001130009.3(GEN1):c.2107G>A (p.Val703Ile)

Gene: GEN1 (GEN1 structure-specific endonuclease; plus strand). Cytogenetic location: 2p24.2.
Variant type: single nucleotide variant.
Coding change: c.2107G>A on transcript NM_001130009.3 (MANE Select); coding-DNA position 2107, G replaced by A.
Protein change: p.Val703Ile; replaces valine 703 with isoleucine.
Molecular consequence: missense variant.
Genome position (GRCh38, 1-based): chr2:17,781,319, G>A. VCF-style: chr2-17781319-G-A. GRCh37 (hg19) VCF-style: chr2-17962586-G-A.
Other names: c.2107G>A (NM_001130009.1); c.2107G>A, p.Val703Ile (NM_182625.5); short protein forms V703I.
Identifiers: ClinVar variation 2889534 (VCV002889534.5), dbSNP rs765931777, ClinGen allele CA1540898.